The following is an entry in ClinVar:

NM_014611.3(MDN1):c.8915A>C (p.His2972Pro)

Gene: MDN1 (midasin AAA ATPase 1; minus strand). Cytogenetic location: 6q15.
Variant type: single nucleotide variant.
Coding change: c.8915A>C on transcript NM_014611.3 (MANE Select); coding-DNA position 8915, A replaced by C.
Protein change: p.His2972Pro; replaces histidine 2972 with proline.
Molecular consequence: missense variant.
Genome position (GRCh38, 1-based): chr6:89,699,683, T>G on the plus strand (A>C on the coding strand, the complement: MDN1 is on the minus strand). VCF-style: chr6-89699683-T-G. GRCh37 (hg19) VCF-style: chr6-90409402-T-G.
Other names: short protein forms H2972P.
Identifiers: ClinVar variation 3041887 (VCV003041887.2), dbSNP rs34208137, ClinGen allele CA3923893.
Genomic context (GRCh38, chr6:89,699,683, plus strand): 5'-CACAGATCTCGAAGCTCTTGAGGTGTAACAGGTGTGTGATAAAGACAAAATGAGATGAGG[T>G]GACTTATCTCCTCATTTATCTGGGGTTGTTGATTTTTGCTGCATCTGTTCCAAAAATAAA-3'
Protein context (NP_055426.1, residues 2962-2982): QQPQINEEIS[His2972Pro]LISFCLYHTP

ClinVar aggregate classification (germline): Likely benign (0 of 4 stars; one submission).

Conditions:
MDN1-related disorder. Also called: MDN1-related condition.

Allele frequency attached by ClinVar (database versions not stated): 1000 Genomes Project 30x 0.00141; 1000 Genomes Project 0.00160; TOPMed 0.00343; gnomAD 0.00485; ESP Exome Variant Server 0.00538; ExAC 0.00611; gnomAD exomes 0.00616.
gnomAD v4.1: 9,602 of 1,613,412 alleles (0.6%); highest among the groups gnomAD compares: Non-Finnish European, 0.7%; 40 homozygotes.

Submission:

PreventionGenetics, part of Exact Sciences
Classification: Likely benign for MDN1-related condition. Last evaluated: 2019-02-19. Review status: no assertion criteria provided. Collection method: clinical testing. Allele origin: germline.
Comment: This variant is classified as likely benign based on ACMG/AMP sequence variant interpretation guidelines (Richards et al. 2015 PMID: 25741868, with internal and published modifications).